The following is an entry in ClinVar:

ClinVar aggregate classification (germline): Pathogenic (1 of 4 stars; one submission).

Submission:

Labcorp Genetics (formerly Invitae), Labcorp
Classification: Pathogenic. Last evaluated: 2025-04-20. Review status: criteria provided, single submitter. Criteria: Invitae Variant Classification Sherloc (09022015). Collection method: clinical testing. Allele origin: germline.
Comment: This sequence change creates a premature translational stop signal (p.Pro41Glyfs*52) in the CYP2R1 gene. It is expected to result in an absent or disrupted protein product. Loss-of-function variants in CYP2R1 are known to be pathogenic (PMID: 15128933, 22855339, 25942481, 33715104). This variant is not present in population databases (gnomAD no frequency). This variant has not been reported in the literature in individuals affected with CYP2R1-related conditions. For these reasons, this variant has been classified as Pathogenic.

Literature cited by the submitters: PubMed 15128933; PubMed 22855339; PubMed 25942481; PubMed 33715104.

NM_024514.5(CYP2R1):c.121_122del (p.Pro41fs)

Genes: CYP2R1 (cytochrome P450 family 2 subfamily R member 1; minus strand), PDE3B (phosphodiesterase 3B; plus strand). Cytogenetic location: 11p15.2.
Variant type: Deletion.
Coding change: c.121_122del on transcript NM_024514.5 (MANE Select); coding-DNA positions 121 to 122, 2 bases deleted (CC; older notation c.121_122delCC).
Protein change: p.Pro41fs; shifts the reading frame from proline 41.
Molecular consequence: frameshift variant. On other transcripts: intron variant (3).
Genome position (GRCh38, 1-based): chr11:14,892,084-14,892,085, GG deleted on the plus strand (CC on the coding strand, the reverse complement: CYP2R1 is on the minus strand); deleting any 2 consecutive bases within chr11:14,892,084-14,892,089 gives the same sequence; the c. name uses the placement nearest the transcript's 3' end. VCF-style (leftmost placement, unchanged base first): chr11-14892083-CGG-C. GRCh37 (hg19) VCF-style: chr11-14913629-CGG-C.
Other names: c.2887-6868_2887-6867del (NM_001429699.1); c.-121+280_-121+281del (NM_001400558.1); c.2887-6857_2887-6856del (NM_001429700.1); short protein forms P41fs.
Identifiers: ClinVar variation 4717754 (VCV004717754.1).